The following is an entry in ClinVar:

ClinVar aggregate classification (germline): Uncertain significance (1 of 4 stars; one submission).

Conditions:
Inborn genetic diseases. Identifiers: MedGen C0950123, MeSH D030342.

Submission:

Ambry Genetics
Classification: Uncertain significance for Inborn genetic diseases. Last evaluated: 2021-03-24. Review status: criteria provided, single submitter. Criteria: Ambry Variant Classification Scheme 2023. Collection method: clinical testing. Allele origin: germline.
Comment: The c.634T>C (p.C212R) alteration is located in exon 7 (coding exon 5) of the FUT8 gene. This alteration results from a T to C substitution at nucleotide position 634, causing the cysteine (C) at amino acid position 212 to be replaced by an arginine (R). The in silico prediction for the p.C212R alteration is inconclusive. Based on insufficient or conflicting evidence, the clinical significance of this alteration remains unclear.

NM_001371533.1(FUT8):c.634T>C (p.Cys212Arg)

Gene: FUT8 (fucosyltransferase 8; plus strand). Cytogenetic location: 14q23.3.
Variant type: single nucleotide variant.
Coding change: c.634T>C on transcript NM_001371533.1 (MANE Select); coding-DNA position 634, T replaced by C.
Protein change: p.Cys212Arg; replaces cysteine 212 with arginine.
Molecular consequence: missense variant. On other transcripts: non-coding transcript variant (1).
Genome position (GRCh38, 1-based): chr14:65,669,279, T>C. VCF-style: chr14-65669279-T-C. GRCh37 (hg19) VCF-style: chr14-66135997-T-C.
Other names: c.634T>C, p.Cys212Arg (NM_001371534.1, NM_178155.3, NM_178156.2); c.736T>C, p.Cys246Arg (NM_001371536.1); c.145T>C, p.Cys49Arg (NM_004480.4); short protein forms C212R, C246R, C49R.
Identifiers: ClinVar variation 2229703 (VCV002229703.2), dbSNP rs2503244084, ClinGen allele CA390119237.